The following is an entry in ClinVar:

NM_000138.5(FBN1):c.6998-22_6998-5del

Gene: FBN1 (fibrillin 1; minus strand). Cytogenetic location: 15q21.1.
Variant type: Deletion.
Coding change: c.6998-22_6998-5del on transcript NM_000138.5 (MANE Select); 22 bases into the intron before coding-DNA position 6998 through 5 bases into the intron before coding-DNA position 6998, 18 bases deleted (TGCCATATAATGTCCCTT).
Molecular consequence: intron variant.
Genome position (GRCh38, 1-based): chr15:48,427,778-48,427,795, AAGGGACATTATATGGCA deleted on the plus strand (TGCCATATAATGTCCCTT on the coding strand, the reverse complement: FBN1 is on the minus strand); deleting any 18 consecutive bases within chr15:48,427,778-48,427,800 gives the same sequence; the c. name uses the placement nearest the transcript's 3' end. VCF-style (leftmost placement, unchanged base first): chr15-48427777-GAAGGGACATTATATGGCA-G. GRCh37 (hg19) VCF-style: chr15-48719974-GAAGGGACATTATATGGCA-G.
Other names: c.6998-22_6998-5del (NM_001406716.1).
Identifiers: ClinVar variation 2773321 (VCV002773321.5), dbSNP rs2505412944, ClinGen allele CA2628330864.

ClinVar aggregate classification (germline): Conflicting classifications of pathogenicity. Review status: criteria provided, conflicting classifications (1 of 4 stars). 2 submissions from 2 submitters: Uncertain significance (1); Likely benign (1). Last evaluated 2025-02-05.

Conditions:
Marfan syndrome (MFS). Also called: FBN1-Related Marfan Syndrome; MARFAN SYNDROME, TYPE I; Marfan syndrome type 1; Marfan's syndrome; Marfan syndrome, classic. Identifiers: Orphanet 284963, Orphanet 558, MedGen C0024796, MONDO:0007947, OMIM 154700.
Familial thoracic aortic aneurysm and aortic dissection (TAAD). Also called: Thoracic aortic aneurysms and dissections. Identifiers: Orphanet 91387, MedGen C4707243, MONDO:0019625.

Submissions (2):

Labcorp Genetics (formerly Invitae), Labcorp
Classification: Likely benign for Marfan syndrome; Familial thoracic aortic aneurysm and aortic dissection. Last evaluated: 2025-02-05. Review status: criteria provided, single submitter. Criteria: Invitae Variant Classification Sherloc (09022015). Collection method: clinical testing. Allele origin: germline.

Color Diagnostics, LLC DBA Color Health
Classification: Uncertain significance for Familial thoracic aortic aneurysm and aortic dissection. Last evaluated: 2022-02-07. Review status: criteria provided, single submitter. Criteria: ACMG Guidelines, 2015. Collection method: clinical testing. Allele origin: germline.
Comment: This variant causes a deletion of eighteen nucleotides in intron 57 of the FBN1 gene. To our knowledge, functional studies have not been reported for this variant. This variant has not been reported in individuals affected with cardiovascular disorders in the literature. This variant has not been identified in the general population by the Genome Aggregation Database (gnomAD). The available evidence is insufficient to determine the role of this variant in disease conclusively. Therefore, this variant is classified as a Variant of Uncertain Significance.